The following is an entry in ClinVar:

NM_002941.4(ROBO1):c.2755T>A (p.Tyr919Asn)

Gene: ROBO1 (roundabout guidance receptor 1; minus strand). Cytogenetic location: 3p12.3.
Variant type: single nucleotide variant.
Coding change: c.2755T>A on transcript NM_002941.4 (MANE Select); coding-DNA position 2755, T replaced by A.
Protein change: p.Tyr919Asn; replaces tyrosine 919 with asparagine.
Molecular consequence: missense variant.
Genome position (GRCh38, 1-based): chr3:78,651,789, A>T on the plus strand (T>A on the coding strand, the complement: ROBO1 is on the minus strand). VCF-style: chr3-78651789-A-T. GRCh37 (hg19) VCF-style: chr3-78700939-A-T.
Other names: c.2647T>A, p.Tyr883Asn (NM_001145845.2, NM_133631.4); short protein forms Y883N, Y919N.
Identifiers: ClinVar variation 4874720 (VCV004874720.2).

ClinVar aggregate classification (germline): Uncertain significance (1 of 4 stars; one submission).

Submission:

CeGaT Center for Human Genetics Tuebingen
Classification: Uncertain significance. Last evaluated: 2026-04-01. Review status: criteria provided, single submitter. Criteria: CeGaT Center For Human Genetics Tuebingen Variant Classification Criteria Version 2. Collection method: clinical testing. Allele origin: germline. Affected: yes. Observed: 1 variant allele.
Comment: ROBO1: PM2